The following is an entry in ClinVar:

NM_001128840.3(CACNA1D):c.1735C>T (p.Leu579Phe)

Gene: CACNA1D (calcium voltage-gated channel subunit alpha1 D; plus strand). Cytogenetic location: 3p21.1.
Variant type: single nucleotide variant.
Coding change: c.1735C>T on transcript NM_001128840.3 (MANE Select); coding-DNA position 1735, C replaced by T.
Protein change: p.Leu579Phe; replaces leucine 579 with phenylalanine.
Molecular consequence: missense variant.
Genome position (GRCh38, 1-based): chr3:53,723,502, C>T. VCF-style: chr3-53723502-C-T. GRCh37 (hg19) VCF-style: chr3-53757529-C-T.
Other names: c.1795C>T, p.Leu599Phe (NM_000720.4); c.1735C>T, p.Leu579Phe (NM_001128839.3); short protein forms L579F, L599F.
Identifiers: ClinVar variation 1380151 (VCV001380151.6), dbSNP rs2094902527, ClinGen allele CA353236830.

ClinVar aggregate classification (germline): Uncertain significance (1 of 4 stars; one submission).

Submission:

Labcorp Genetics (formerly Invitae), Labcorp
Classification: Uncertain significance. Last evaluated: 2021-09-08. Review status: criteria provided, single submitter. Criteria: Invitae Variant Classification Sherloc (09022015). Collection method: clinical testing. Allele origin: germline.
Comment: Algorithms developed to predict the effect of missense changes on protein structure and function are either unavailable or do not agree on the potential impact of this missense change (SIFT: "Tolerated"; PolyPhen-2: "Probably Damaging"; Align-GVGD: "Class C0"). In summary, the available evidence is currently insufficient to determine the role of this variant in disease. Therefore, it has been classified as a Variant of Uncertain Significance. This variant has not been reported in the literature in individuals affected with CACNA1D-related conditions. This variant is not present in population databases (ExAC no frequency). This sequence change replaces leucine with phenylalanine at codon 599 of the CACNA1D protein (p.Leu599Phe). The leucine residue is highly conserved and there is a small physicochemical difference between leucine and phenylalanine.